The following is an entry in ClinVar:

ClinVar aggregate classification (germline): Benign/Likely benign. Review status: criteria provided, multiple submitters, no conflicts (2 of 4 stars). 3 submissions from 3 submitters: Benign (1); Likely benign (1). 1 of the submissions does not count toward it. Last evaluated 2025-12-15.

Conditions:
PRPF6-related disorder. Also called: PRPF6-related condition.

Allele frequency attached by ClinVar (database versions not stated): gnomAD exomes 0.00035 and 0.00085; 1000 Genomes Project 0.00140; gnomAD 0.00140 and 0.00146; ESP Exome Variant Server 0.00176; ExAC 0.00088; TOPMed 0.00135.

Submissions (3):

Labcorp Genetics (formerly Invitae), Labcorp
Classification: Benign. Last evaluated: 2025-12-15. Review status: criteria provided, single submitter. Criteria: Invitae Variant Classification Sherloc (09022015). Collection method: clinical testing. Allele origin: germline.

Blueprint Genetics
Classification: Likely benign. Last evaluated: 2024-07-10. Review status: criteria provided, single submitter. Criteria: ACMG Guidelines, 2015. Collection method: clinical testing. Allele origin: germline.

PreventionGenetics, part of Exact Sciences
Classification: Benign for PRPF6-related condition. Last evaluated: 2019-06-24. Review status: no assertion criteria provided. Collection method: clinical testing. Allele origin: germline. Not counted in ClinVar's aggregate classification.
Comment: This variant is classified as benign based on ACMG/AMP sequence variant interpretation guidelines (Richards et al. 2015 PMID: 25741868, with internal and published modifications).

NM_012469.4(PRPF6):c.1023+8_1023+21del

Gene: PRPF6 (pre-mRNA processing factor 6; plus strand). Cytogenetic location: 20q13.33.
Variant type: Deletion.
Coding change: c.1023+8_1023+21del on transcript NM_012469.4 (MANE Select); bases 8 to 21 of the intron after coding-DNA position 1023, 14 bases deleted (ATTTCCTGGGAGGC).
Molecular consequence: intron variant.
Genome position (GRCh38, 1-based): chr20:63,999,767-63,999,780, ATTTCCTGGGAGGC deleted. VCF-style (leftmost placement, unchanged base first): chr20-63999766-TATTTCCTGGGAGGC-T. GRCh37 (hg19) VCF-style: chr20-62631119-TATTTCCTGGGAGGC-T.
Other names: c.1023+8_1023+21del14 (NM_012469.3); c.1023+8_1023+21del (NM_012469.3).
Identifiers: ClinVar variation 778898 (VCV000778898.13), dbSNP rs377444836, ClinGen allele CA9972055.